The following is an entry in ClinVar:

NM_152564.5(VPS13B):c.5270C>T (p.Ala1757Val)

Gene: VPS13B (vacuolar protein sorting 13 homolog B; plus strand). Cytogenetic location: 8q22.2.
Variant type: single nucleotide variant.
Coding change: c.5270C>T on transcript NM_152564.5 (MANE Select); coding-DNA position 5270, C replaced by T.
Protein change: p.Ala1757Val; replaces alanine 1757 with valine.
Molecular consequence: missense variant.
Genome position (GRCh38, 1-based): chr8:99,641,860, C>T. VCF-style: chr8-99641860-C-T. GRCh37 (hg19) VCF-style: chr8-100654088-C-T.
Other names: c.5270C>T (NM_152564.4); c.5345C>T, p.Ala1782Val (NM_017890.5); short protein forms A1782V, A1757V.
Identifiers: ClinVar variation 1029658 (VCV001029658.3), dbSNP rs1055918734, ClinGen allele CA183013508.

ClinVar aggregate classification (germline): Uncertain significance. Review status: criteria provided, multiple submitters, no conflicts (2 of 4 stars). 3 submissions from 3 submitters: Uncertain significance (2). 1 of the submissions does not count toward it. Last evaluated 2026-10-01.

Conditions:
VPS13B-related disorder. Also called: VPS13B-related condition.
Cohen syndrome (COH1). Also called: PEPPER SYNDROME; Cutis verticis gyrata, retinitis pigmentosa, and sensorineural deafness. Identifiers: Orphanet 193, MedGen C0265223, MONDO:0008999, OMIM 216550.

Allele frequency attached by ClinVar (database versions not stated): TOPMed 0.00001; gnomAD 0.00003.
gnomAD v4.1: 4 of 1,613,784 alleles (0.00025%); no homozygotes.

Submissions (3):

St. Jude Molecular Pathology, St. Jude Children's Research Hospital
Classification: Uncertain significance for Cohen syndrome. Last evaluated: 2026-10-01. Review status: criteria provided, single submitter. Criteria: St. Jude Assertion Criteria 2020. Collection method: clinical testing. Allele origin: germline.
Comment: The VPS13B c.5270C>T p.(Ala1757Val) missense change is absent in gnomAD v2.1.1. The in silico tool REVEL predicts a benign effect on protein function, but to our knowledge this prediction has not been confirmed by functional studies. To our knowledge, this variant has not been reported in individuals with Cohen syndrome. In summary, the evidence curre ntly available is insufficient to determine the role of this variant in disease. It has therefore been classified as of uncertain significance (VUS-Low).

Baylor Genetics
Classification: Uncertain significance for Cohen syndrome. Last evaluated: 2019-02-22. Review status: criteria provided, single submitter. Criteria: ACMG Guidelines, 2015. Collection method: clinical testing. Allele origin: unknown. Affected: yes.
Comment: This variant was determined to be of uncertain significance according to ACMG Guidelines, 2015 [PMID:25741868].

PreventionGenetics, part of Exact Sciences
Classification: Uncertain significance for VPS13B-related condition. Last evaluated: 2024-09-14. Review status: no assertion criteria provided. Collection method: clinical testing. Allele origin: germline. Not counted in ClinVar's aggregate classification.
Comment: The VPS13B c.5270C>T variant is predicted to result in the amino acid substitution p.Ala1757Val. To our knowledge, this variant has not been reported in the literature or in a large population database, indicating this variant is rare. At this time, the clinical significance of this variant is uncertain due to the absence of conclusive functional and genetic evidence.